The following is an entry in ClinVar:

NM_024642.5(GALNT12):c.1605G>T (p.Glu535Asp)

Gene: GALNT12 (polypeptide N-acetylgalactosaminyltransferase 12; plus strand). Cytogenetic location: 9q22.33.
Variant type: single nucleotide variant.
Coding change: c.1605G>T on transcript NM_024642.5 (MANE Select); coding-DNA position 1605, G replaced by T.
Protein change: p.Glu535Asp; replaces glutamic acid 535 with aspartic acid.
Molecular consequence: missense variant.
Genome position (GRCh38, 1-based): chr9:98,846,123, G>T. VCF-style: chr9-98846123-G-T. GRCh37 (hg19) VCF-style: chr9-101608405-G-T.
Other names: short protein forms E535D.
Identifiers: ClinVar variation 1040360 (VCV001040360.14), dbSNP rs1443842231, ClinGen allele CA374221916.

ClinVar aggregate classification (germline): Uncertain significance. Review status: criteria provided, multiple submitters, no conflicts (2 of 4 stars). 4 submissions from 4 submitters: Uncertain significance (4). Last evaluated 2025-07-23.

Conditions:
Colorectal cancer, susceptibility to, 1. Also called: COLORECTAL ADENOMA AND CANCER, SUSCEPTIBILITY TO; COLORECTAL CANCER, SUSCEPTIBILITY TO, ON CHROMOSOME 9. Identifiers: MedGen C1837315, MONDO:0012132, OMIM 608812.

Allele frequency attached by ClinVar (database versions not stated): gnomAD exomes below 0.00001; TOPMed below 0.00001; gnomAD 0.00001.
gnomAD v4.1: 9 of 1,614,042 alleles (0.00056%); highest among the groups gnomAD compares: Admixed American, 0.0017%; no homozygotes.

Submissions (4):

Quest Diagnostics Nichols Institute San Juan Capistrano
Classification: Uncertain significance. Last evaluated: 2025-07-23. Review status: criteria provided, single submitter. Criteria: Quest Diagnostics criteria. Collection method: clinical testing. Allele origin: unknown.
Comment: The GALNT12 c.1605G>T (p.Glu535Asp) variant disrupts a canonical splice-donor site and is predicted to interfere with normal GALNT12 mRNA splicing. This variant has not been reported in individuals with GALNT12-related conditions in the published literature. The frequency of this variant in the general population (Genome Aggregation Database) is uninformative in the assessment of its pathogenicity. Based on the available information, we are unable to determine the clinical significance of this variant.

Ambry Genetics
Classification: Uncertain significance. Last evaluated: 2025-06-06. Review status: criteria provided, single submitter. Criteria: Ambry Variant Classification Scheme 2023. Collection method: clinical testing. Allele origin: germline.
Comment: The p.E535D variant (also known as c.1605G>T), located in coding exon 9 of the GALNT12 gene, results from a G to T substitution at nucleotide position 1605. The amino acid change results in glutamic acid to aspartic acid at codon 535, an amino acid with highly similar properties. However, this change occurs in the last base pair of coding exon 9 and may have some effect on normal mRNA splicing. This nucleotide position is well conserved in available vertebrate species. In silico splice site analysis for this alteration is inconclusive. This amino acid position is not well conserved in available vertebrate species. In addition, this alteration is predicted to be tolerated by in silico analysis. Since supporting evidence is limited at this time, the clinical significance of this alteration remains unclear.

Baylor Genetics
Classification: Uncertain significance for Colorectal cancer, susceptibility to, 1. Last evaluated: 2024-03-11. Review status: criteria provided, single submitter. Criteria: ACMG Guidelines, 2015. Collection method: clinical testing. Allele origin: unknown.

Labcorp Genetics (formerly Invitae), Labcorp
Classification: Uncertain significance. Last evaluated: 2023-12-28. Review status: criteria provided, single submitter. Criteria: Invitae Variant Classification Sherloc (09022015). Collection method: clinical testing. Allele origin: germline.
Comment: This sequence change replaces glutamic acid, which is acidic and polar, with aspartic acid, which is acidic and polar, at codon 535 of the GALNT12 protein (p.Glu535Asp). This variant also falls at the last nucleotide of exon 9, which is part of the consensus splice site for this exon. This variant is not present in population databases (gnomAD no frequency). This variant has not been reported in the literature in individuals affected with GALNT12-related conditions. ClinVar contains an entry for this variant (Variation ID: 1040360). An algorithm developed to predict the effect of missense changes on protein structure and function (PolyPhen-2) suggests that this variant is likely to be tolerated. Variants that disrupt the consensus splice site are a relatively common cause of aberrant splicing (PMID: 17576681, 9536098). Algorithms developed to predict the effect of sequence changes on RNA splicing suggest that this variant may disrupt the consensus splice site. In summary, the available evidence is currently insufficient to determine the role of this variant in disease. Therefore, it has been classified as a Variant of Uncertain Significance.

Literature cited by the submitters: PubMed 17576681 (cited by Labcorp Genetics (formerly Invitae), Labcorp); PubMed 9536098 (cited by Labcorp Genetics (formerly Invitae), Labcorp).